The following is an entry in ClinVar:

ClinVar aggregate classification (germline): Benign (1 of 4 stars; one submission).

Submission:

CeGaT Center for Human Genetics Tuebingen
Classification: Benign. Last evaluated: 2026-08-01. Review status: criteria provided, single submitter. Criteria: CeGaT Center For Human Genetics Tuebingen Variant Classification Criteria Version 2. Collection method: clinical testing. Allele origin: germline. Affected: yes. Observed: 4 variant alleles.
Comment: KCNQ1OT1: BS1, BS2

NM_000218.3(KCNQ1):c.1393+23648_1393+23651del

Genes: KCNQ1 (potassium voltage-gated channel subfamily Q member 1; plus strand), KCNQ1OT1 (KCNQ1 opposite strand/antisense transcript 1; minus strand). Cytogenetic location: 11p15.5.
Variant type: Microsatellite.
Coding change: c.1393+23648_1393+23651del on transcript NM_000218.3 (MANE Select); bases 23648 to 23651 of the intron after coding-DNA position 1393, 4 bases deleted (TCTT; older notation c.1393+23648_1393+23651delTCTT).
Molecular consequence: intron variant. On other transcripts: non-coding transcript variant (1).
Genome position (GRCh38, 1-based): chr11:2,612,502-2,612,505, TCTT deleted; deleting any 4 consecutive bases within chr11:2,612,497-2,612,505 gives the same sequence; the c. name uses the placement nearest the transcript's 3' end. VCF-style (leftmost placement, unchanged base first): chr11-2612496-ATTCT-A. GRCh37 (hg19) VCF-style: chr11-2633726-ATTCT-A.
Other names: c.1123+23648_1123+23651del (NM_001406837.1); c.1297+23648_1297+23651del (NM_001406836.1); c.853+23648_853+23651del (NM_001406838.1); c.1012+23648_1012+23651del (NM_181798.2).
Identifiers: ClinVar variation 2641368 (VCV002641368.24), dbSNP rs376376947, ClinGen allele CA216357647.